The following is an entry in ClinVar:

ClinVar aggregate classification (germline): Uncertain significance. Review status: criteria provided, multiple submitters, no conflicts (2 of 4 stars). 3 submissions from 3 submitters: Uncertain significance (3). Last evaluated 2025-06-23.

Conditions:
Inborn genetic diseases. Identifiers: MedGen C0950123, MeSH D030342.

Allele frequency attached by ClinVar (database versions not stated): gnomAD exomes 0.00006; ExAC 0.00007; TOPMed 0.00014; 1000 Genomes Project 0.00020; ESP Exome Variant Server 0.00024.
gnomAD v4.1: 41 of 1,614,166 alleles (0.0025%); highest among the groups gnomAD compares: African/African-American, 0.051%; 1 homozygote.

Submissions (3):

Ambry Genetics
Classification: Uncertain significance for Inborn genetic diseases. Last evaluated: 2025-06-23. Review status: criteria provided, single submitter. Criteria: Ambry Variant Classification Scheme 2023. Collection method: clinical testing. Allele origin: germline.

Labcorp Genetics (formerly Invitae), Labcorp
Classification: Uncertain significance. Last evaluated: 2024-01-19. Review status: criteria provided, single submitter. Criteria: Invitae Variant Classification Sherloc (09022015). Collection method: clinical testing. Allele origin: germline.
Comment: This sequence change replaces serine, which is neutral and polar, with phenylalanine, which is neutral and non-polar, at codon 69 of the RP1L1 protein (p.Ser69Phe). This variant is present in population databases (rs376627166, gnomAD 0.08%). This variant has not been reported in the literature in individuals affected with RP1L1-related conditions. ClinVar contains an entry for this variant (Variation ID: 1016127). Advanced modeling of protein sequence and biophysical properties (such as structural, functional, and spatial information, amino acid conservation, physicochemical variation, residue mobility, and thermodynamic stability) has been performed at Invitae for this missense variant, however the output from this modeling did not meet the statistical confidence thresholds required to predict the impact of this variant on RP1L1 protein function. In summary, the available evidence is currently insufficient to determine the role of this variant in disease. Therefore, it has been classified as a Variant of Uncertain Significance.

Blueprint Genetics
Classification: Uncertain significance. Last evaluated: 2023-06-30. Review status: criteria provided, single submitter. Criteria: ACMG Guidelines, 2015. Collection method: clinical testing. Allele origin: germline.

NM_178857.6(RP1L1):c.206C>T (p.Ser69Phe)

Gene: RP1L1 (RP1 like 1). Cytogenetic location: 8p23.1.
Variant type: single nucleotide variant.
Coding change: c.206C>T on transcript NM_178857.6 (MANE Select); coding-DNA position 206, C replaced by T.
Protein change: p.Ser69Phe; replaces serine 69 with phenylalanine.
Molecular consequence: missense variant.
Genome position (GRCh38, 1-based): chr8:10,622,996, G>A on the plus strand (C>T on the coding strand, the complement: RP1L1 is on the minus strand). VCF-style: chr8-10622996-G-A. GRCh37 (hg19) VCF-style: chr8-10480506-G-A.
Other names: c.206C>T (NM_178857.5); short protein forms S69F.
Identifiers: ClinVar variation 1016127 (VCV001016127.9), dbSNP rs376627166, ClinGen allele CA4625821.
Genomic context (GRCh38, chr8:10,622,996, plus strand): 5'-CTATGCAGGCCCCGGGGTGTGGTGACAGAGCGCACCCCAAAGGAGAGAGGCACGCGCTGG[G>A]AGAGCTCGTCCATGAGGGCGCTGAAGGTCTTAAAGGCGCGCTGGTGAACGGCCAGGCGGA-3'
Protein context (NP_849188.4, residues 59-79): KTFSALMDEL[Ser69Phe]QRVPLSFGVR